The following is an entry in ClinVar:

NM_016203.4(PRKAG2):c.49C>G (p.Pro17Ala)

Gene: PRKAG2 (protein kinase AMP-activated non-catalytic subunit gamma 2; minus strand). Cytogenetic location: 7q36.1.
Variant type: single nucleotide variant.
Coding change: c.49C>G on transcript NM_016203.4 (MANE Select); coding-DNA position 49, C replaced by G.
Protein change: p.Pro17Ala; replaces proline 17 with alanine.
Molecular consequence: missense variant.
Genome position (GRCh38, 1-based): chr7:151,876,572, G>C on the plus strand (C>G on the coding strand, the complement: PRKAG2 is on the minus strand). VCF-style: chr7-151876572-G-C. GRCh37 (hg19) VCF-style: chr7-151573657-G-C.
Other names: c.49C>G, p.Pro17Ala (NM_001407021.1, NM_001407022.1, NM_001407023.1 and 2 more transcripts); short protein forms P17A.
Identifiers: ClinVar variation 4757513 (VCV004757513.1).
Genomic context (GRCh38, chr7:151,876,572, plus strand): 5'-TGTGCACGCGCAGCGAACGCCTCTTCTGGCTGGCATTTTTCTTGCCGCCGCTCCCGCCGG[G>C]GCTGGAAACATCTTTTTTCTTCTTGGTGTCCATAACCGCGCTTCCCATAACTCTAACCAG-3'
Protein context (NP_057287.2, residues 7-27): DTKKKKDVSS[Pro17Ala]GGSGGKKNAS

ClinVar aggregate classification (germline): Uncertain significance (1 of 4 stars; one submission).

Conditions:
Cardiomyopathy (CMYO). Also called: Cardiomyopathies. Identifiers: Orphanet 167848, MedGen C0878544, MONDO:0004994, HP:0001638. Inheritance: Various modes of inheritance.

gnomAD v4.1: 1 of 1,610,498 alleles (0.000062%); highest among the groups gnomAD compares: South Asian, 0.0011%; no homozygotes.

Submission:

Color Diagnostics, LLC DBA Color Health
Classification: Uncertain significance for Cardiomyopathy. Last evaluated: 2025-07-07. Review status: criteria provided, single submitter. Criteria: ACMG Guidelines, 2015. Collection method: clinical testing. Allele origin: germline.
Comment: This missense variant replaces proline with alanine at codon 17 of the PRKAG2 protein. Computational prediction suggests that this variant may not impact protein structure and function. To our knowledge, functional studies have not been reported for this variant. This variant has not been reported in individuals affected with PRKAG2-related disorders in the literature. This variant has not been identified in the general population by the Genome Aggregation Database (gnomAD). The available evidence is insufficient to determine the role of this variant in disease conclusively. Therefore, this variant is classified as a Variant of Uncertain Significance.